The following is an entry in ClinVar:

NM_001276270.2(MBD4):c.200A>G (p.Glu67Gly)

Gene: MBD4 (methyl-CpG binding domain 4, DNA glycosylase; minus strand). Cytogenetic location: 3q21.3.
Variant type: single nucleotide variant.
Coding change: c.200A>G on transcript NM_001276270.2 (MANE Select); coding-DNA position 200, A replaced by G.
Protein change: p.Glu67Gly; replaces glutamic acid 67 with glycine.
Molecular consequence: missense variant.
Genome position (GRCh38, 1-based): chr3:129,437,855, T>C on the plus strand (A>G on the coding strand, the complement: MBD4 is on the minus strand). VCF-style: chr3-129437855-T-C. GRCh37 (hg19) VCF-style: chr3-129156698-T-C.
Other names: c.200A>G, p.Glu67Gly (NM_001276271.2, NM_001276272.2, NM_001276273.2 and 1 more transcripts); short protein forms E67G.
Identifiers: ClinVar variation 4859583 (VCV004859583.1).

ClinVar aggregate classification (germline): Uncertain significance (1 of 4 stars; one submission).

Conditions:
Inborn genetic diseases. Identifiers: MedGen C0950123, MeSH D030342.

Submission:

Ambry Genetics
Classification: Uncertain significance for Inborn genetic diseases. Last evaluated: 2026-04-18. Review status: criteria provided, single submitter. Criteria: Ambry Variant Classification Scheme 2023. Collection method: clinical testing. Allele origin: germline.
Comment: The p.E67G variant (also known as c.200A>G), located in coding exon 2 of the MBD4 gene, results from an A to G substitution at nucleotide position 200. The glutamic acid at codon 67 is replaced by glycine, an amino acid with similar properties. This amino acid position is conserved. In addition, this alteration is predicted to be tolerated by in silico analysis. Based on the available evidence, the clinical significance of this variant remains unclear.